The following is an entry in ClinVar:

NM_003172.4(SURF1):c.491C>T (p.Thr164Ile)

Gene: SURF1 (SURF1 cytochrome c oxidase assembly factor; minus strand). Cytogenetic location: 9q34.2.
Variant type: single nucleotide variant.
Coding change: c.491C>T on transcript NM_003172.4 (MANE Select); coding-DNA position 491, C replaced by T.
Protein change: p.Thr164Ile; replaces threonine 164 with isoleucine.
Molecular consequence: missense variant.
Genome position (GRCh38, 1-based): chr9:133,353,773, G>A on the plus strand (C>T on the coding strand, the complement: SURF1 is on the minus strand). VCF-style: chr9-133353773-G-A. GRCh37 (hg19) VCF-style: chr9-136220628-G-A.
Other names: c.164C>T, p.Thr55Ile (NM_001280787.1); short protein forms T164I, T55I.
Identifiers: ClinVar variation 1212319 (VCV001212319.13), dbSNP rs782214884, ClinGen allele CA200832964.

ClinVar aggregate classification (germline): Likely pathogenic. Review status: criteria provided, multiple submitters, no conflicts (2 of 4 stars). 3 submissions from 3 submitters: Likely pathogenic (3). Last evaluated 2026-01-09.

Conditions:
Leigh syndrome (NULS). Also called: Leigh's necrotizing encephalopathy; Leigh's disease; Leigh's syndrome; Leigh Disease; Leigh Syndrome (mtDNA deletion); Subacute necrotizing encephalopathy. Identifiers: Orphanet 506, MedGen C2931891, MONDO:0009723, OMIM 256000.
Mitochondrial complex IV deficiency, nuclear type 1 (MC4DN1). Also called: Mitochondrial complex IV deficiency; Complex 4 mitochondrial respiratory chain deficiency; Deficiency of mitochondrial respiratory chain complex4; Complex IV deficiency; COX DEFICIENCY. Identifiers: MedGen C5435656, MONDO:0700250, OMIM 220110. Disease mechanism: loss of function.

Allele frequency attached by ClinVar (database versions not stated): gnomAD 0.00001; TOPMed 0.00001.
gnomAD v4.1: 9 of 1,613,754 alleles (0.00056%); highest among the groups gnomAD compares: Admixed American, 0.015%; no homozygotes.

Submissions (3):

Labcorp Genetics (formerly Invitae), Labcorp
Classification: Likely pathogenic for Leigh syndrome. Last evaluated: 2026-01-09. Review status: criteria provided, single submitter. Criteria: Invitae Variant Classification Sherloc (09022015). Collection method: clinical testing. Allele origin: germline.
Comment: This sequence change replaces threonine, which is neutral and polar, with isoleucine, which is neutral and non-polar, at codon 164 of the SURF1 protein (p.Thr164Ile). This variant is present in population databases (rs782214884, gnomAD 0.02%). This missense change has been observed in individual(s) with clinical features of SURF1-related conditions (PMID: 36675121; internal data). In at least one individual the data is consistent with being in trans (on the opposite chromosome) from a pathogenic variant. ClinVar contains an entry for this variant (Variation ID: 1212319). Invitae Evidence Modeling of protein sequence and biophysical properties (such as structural, functional, and spatial information, amino acid conservation, physicochemical variation, residue mobility, and thermodynamic stability) indicates that this missense variant is expected to disrupt SURF1 protein function with a positive predictive value of 95%. In summary, the currently available evidence indicates that the variant is pathogenic, but additional data are needed to prove that conclusively. Therefore, this variant has been classified as Likely Pathogenic.

GeneDx
Classification: Likely pathogenic. Last evaluated: 2025-03-27. Review status: criteria provided, single submitter. Criteria: GeneDx Variant Classification Process June 2021. Collection method: clinical testing. Allele origin: germline. Affected: yes.
Comment: Reported in an individual with Leigh syndrome in published literature (PMID: 36675121); In silico analysis supports that this missense variant has a deleterious effect on protein structure/function; This variant is associated with the following publications: (PMID: 36675121)

Laboratory of Inherited Metabolic Diseases, Research centre for medical genetics
Classification: Likely pathogenic for Mitochondrial complex IV deficiency, nuclear type 1. Last evaluated: 2023-01-31. Review status: criteria provided, single submitter. Criteria: ACMG Guidelines, 2015. Collection method: clinical testing. Allele origin: unknown. Inheritance: Autosomal recessive inheritance. Affected: yes. Observed: 1 variant allele.

Literature cited by the submitters: PubMed 36675121 (cited by Labcorp Genetics (formerly Invitae), Labcorp).